The following is an entry in ClinVar:

NM_003482.4(KMT2D):c.14835C>T (p.Pro4945=)

Gene: KMT2D (lysine methyltransferase 2D; minus strand). Cytogenetic location: 12q13.12.
Variant type: single nucleotide variant.
Coding change: c.14835C>T on transcript NM_003482.4 (MANE Select); coding-DNA position 14835, C replaced by T.
Protein change: p.Pro4945=; no amino-acid change (proline 4945 retained).
Molecular consequence: synonymous variant.
Genome position (GRCh38, 1-based): chr12:49,027,131, G>A on the plus strand (C>T on the coding strand, the complement: KMT2D is on the minus strand). VCF-style: chr12-49027131-G-A. GRCh37 (hg19) VCF-style: chr12-49420914-G-A.
Identifiers: ClinVar variation 2819436 (VCV002819436.4), dbSNP rs761403481, ClinGen allele CA6545652.

ClinVar aggregate classification (germline): Benign/Likely benign. Review status: criteria provided, multiple submitters, no conflicts (2 of 4 stars). 2 submissions from 2 submitters: Benign (1); Likely benign (1). Last evaluated 2025-08-13.

Conditions:
KMT2D-related disorder. Also called: KMT2D-Related Disorders.
Kabuki syndrome. Also called: NIIKAWA-KUROKI SYNDROME; Kabuki make-up syndrome. Identifiers: Orphanet 2322, MedGen C0796004, MONDO:0016512.

Allele frequency attached by ClinVar (database versions not stated): gnomAD exomes 0.00001; ExAC 0.00002; TOPMed 0.00002.
gnomAD v4.1: 15 of 1,581,728 alleles (0.00095%); highest among the groups gnomAD compares: Middle Eastern, 0.034%; no homozygotes.

Submissions (2):

Labcorp Genetics (formerly Invitae), Labcorp
Classification: Benign for Kabuki syndrome. Last evaluated: 2025-08-13. Review status: criteria provided, single submitter. Criteria: Invitae Variant Classification Sherloc (09022015). Collection method: clinical testing. Allele origin: germline.

PreventionGenetics, part of Exact Sciences
Classification: Likely benign for KMT2D-related condition. Last evaluated: 2025-06-26. Review status: criteria provided, single submitter. Criteria: ACMG Guidelines, 2015. Collection method: clinical testing. Allele origin: germline.
Comment: This variant is classified as likely benign based on ACMG/AMP sequence variant interpretation guidelines (Richards et al. 2015 PMID: 25741868, with internal and published modifications).